The following is an entry in ClinVar:

NM_017636.4(TRPM4):c.3058G>A (p.Val1020Met)

Gene: TRPM4 (transient receptor potential cation channel subfamily M member 4; plus strand). Cytogenetic location: 19q13.33.
Variant type: single nucleotide variant.
Coding change: c.3058G>A on transcript NM_017636.4 (MANE Select); coding-DNA position 3058, G replaced by A.
Protein change: p.Val1020Met; replaces valine 1020 with methionine.
Molecular consequence: missense variant.
Genome position (GRCh38, 1-based): chr19:49,202,068, G>A. VCF-style: chr19-49202068-G-A. GRCh37 (hg19) VCF-style: chr19-49705325-G-A.
Other names: c.2536G>A, p.Val846Met (NM_001321283.2); c.1996G>A, p.Val666Met (NM_001321285.2); c.2623G>A, p.Val875Met (NM_001195227.2); c.2713G>A, p.Val905Met (NM_001321281.2); c.1450G>A, p.Val484Met (NM_001321282.2); short protein forms V905M, V1020M, V875M, V484M, V666M, V846M.
Identifiers: ClinVar variation 2882202 (VCV002882202.3), dbSNP rs1311495881, ClinGen allele CA406812873.
Genomic context (GRCh38, chr19:49,202,068, plus strand): 5'-TGGGCACACCCTCCTGGGGCCCAGGCGGGCACCTGCGTCTCCCAGTATGCCAACTGGCTG[G>A]TGGTGCTGCTCCTCGTCATCTTCCTGCTCGTGGCCAACATCCTGCTGGTCAACTTGCTCA-3'
Protein context (NP_060106.2, residues 1010-1030): TCVSQYANWL[Val1020Met]VLLLVIFLLV

ClinVar aggregate classification (germline): Uncertain significance (1 of 4 stars; one submission).

Conditions:
Progressive familial heart block type IB (PFHB1B). Identifiers: Orphanet 871, MedGen C1970298, MONDO:0011474, OMIM 604559.

Allele frequency attached by ClinVar (database versions not stated): gnomAD exomes 0.00001.
gnomAD v4.1: 16 of 1,614,114 alleles (0.00099%); highest among the groups gnomAD compares: African/African-American, 0.0013%; no homozygotes.

Submission:

Labcorp Genetics (formerly Invitae), Labcorp
Classification: Uncertain significance for Progressive familial heart block type IB. Last evaluated: 2025-12-01. Review status: criteria provided, single submitter. Criteria: Invitae Variant Classification Sherloc (09022015). Collection method: clinical testing. Allele origin: germline.
Comment: This sequence change replaces valine, which is neutral and non-polar, with methionine, which is neutral and non-polar, at codon 1020 of the TRPM4 protein (p.Val1020Met). This variant is present in population databases (no rsID available, gnomAD 0.007%). This variant has not been reported in the literature in individuals affected with TRPM4-related conditions. ClinVar contains an entry for this variant (Variation ID: 2882202). An algorithm developed to predict the effect of missense changes on protein structure and function (PolyPhen-2) suggests that this variant is likely to be disruptive. In summary, the available evidence is currently insufficient to determine the role of this variant in disease. Therefore, it has been classified as a Variant of Uncertain Significance.